The following is an entry in ClinVar:

NM_002645.4(PIK3C2A):c.3251C>T (p.Ser1084Phe)

Gene: PIK3C2A (phosphatidylinositol-4-phosphate 3-kinase catalytic subunit type 2 alpha; minus strand). Cytogenetic location: 11p15.1.
Variant type: single nucleotide variant.
Coding change: c.3251C>T on transcript NM_002645.4 (MANE Select); coding-DNA position 3251, C replaced by T.
Protein change: p.Ser1084Phe; replaces serine 1084 with phenylalanine.
Molecular consequence: missense variant.
Genome position (GRCh38, 1-based): chr11:17,114,431, G>A on the plus strand (C>T on the coding strand, the complement: PIK3C2A is on the minus strand). VCF-style: chr11-17114431-G-A. GRCh37 (hg19) VCF-style: chr11-17135978-G-A.
Other names: c.3251C>T, p.Ser1084Phe (NM_001321378.2); c.2111C>T, p.Ser704Phe (NM_001321380.2); c.3083C>T, p.Ser1028Phe (NM_001386870.1); short protein forms S1028F, S1084F, S704F.
Identifiers: ClinVar variation 1957101 (VCV001957101.4), dbSNP rs774332927, ClinGen allele CA5900836.

ClinVar aggregate classification (germline): Uncertain significance (1 of 4 stars; one submission).

Allele frequency attached by ClinVar (database versions not stated): gnomAD exomes below 0.00001; TOPMed below 0.00001; ExAC 0.00002.
gnomAD v4.1: 6 of 1,586,026 alleles (0.00038%); highest among the groups gnomAD compares: Admixed American, 0.0083%; no homozygotes.

Submission:

Labcorp Genetics (formerly Invitae), Labcorp
Classification: Uncertain significance. Last evaluated: 2024-02-26. Review status: criteria provided, single submitter. Criteria: Invitae Variant Classification Sherloc (09022015). Collection method: clinical testing. Allele origin: germline.
Comment: This sequence change replaces serine, which is neutral and polar, with phenylalanine, which is neutral and non-polar, at codon 1084 of the PIK3C2A protein (p.Ser1084Phe). This variant is present in population databases (rs774332927, gnomAD 0.01%). This variant has not been reported in the literature in individuals affected with PIK3C2A-related conditions. ClinVar contains an entry for this variant (Variation ID: 1957101). An algorithm developed to predict the effect of missense changes on protein structure and function (PolyPhen-2) suggests that this variant is likely to be tolerated. In summary, the available evidence is currently insufficient to determine the role of this variant in disease. Therefore, it has been classified as a Variant of Uncertain Significance.